The following continues an entry in ClinVar:

NM_000492.4(CFTR):c.1679G>C (p.Arg560Thr)

ClinVar aggregate classification (germline): Pathogenic. Pathogenic (1).

Submissions 12 to 24 of 24:

Rady Children's Institute for Genomic Medicine, Rady Children's Hospital San Diego
Classification: Pathogenic for CFTR-Related Disorders. Last evaluated: 2023-12-15. Review status: criteria provided, single submitter. Criteria: ACMG Guidelines, 2015. Collection method: clinical testing. Allele origin: germline. Affected: yes. Not counted in ClinVar's aggregate classification.
Comment: The c.1679G>C (p.Arg560Thr) variant affects a highly conserved amino acid and is predicted by multiple in silico tools to have a deleterious effect on protein function. Multiple splice prediction tools suggest this variant is likely to interfere with normal splicing. This is a known Pathogenic variant that has been previously reported as a compound heterozygous or homozygous change in individuals with cystic fibrosis (PMID: 12767731, 15371902, 23974870). Functional studies have demonstrated that the c.1679G>C (p.Arg560Thr) variant results in altered mRNA splicing, decreased levels of translated mRNA, and impaired protein function (PMID: 2236053, 23974870, 23891399). This variant is present in the heterozygous state in the gnomAD population database at a frequency of 0.002% (6/250518), and is absent in the homozygous state, thus is presumed to be rare. Based on the available evidence, c.1679G>C (p.Arg560Thr) is classified as Pathogenic.

Mayo Clinic Laboratories, Mayo Clinic
Classification: Pathogenic. Last evaluated: 2022-05-12. Review status: criteria provided, single submitter. Criteria: ACMG Guidelines, 2015. Collection method: clinical testing. Allele origin: germline. Observed: 3 variant alleles. Not counted in ClinVar's aggregate classification.

Genome Diagnostics Laboratory, The Hospital for Sick Children
Classification: Pathogenic for Cystic fibrosis. Last evaluated: 2020-02-07. Review status: criteria provided, single submitter. Criteria: ACMG Guidelines, 2015. Collection method: clinical testing. Allele origin: germline. Not counted in ClinVar's aggregate classification.

Myriad Genetics, Inc.
Classification: Pathogenic for Cystic fibrosis. Last evaluated: 2019-12-04. Review status: criteria provided, single submitter. Criteria: Myriad Women's Health Autosomal Recessive and X-Linked Classification Criteria (2019). Collection method: clinical testing. Allele origin: unknown. Not counted in ClinVar's aggregate classification.
Comment: NM_000492.3(CFTR):c.1679G>C(R560T) is classified as pathogenic in the context of cystic fibrosis and is associated with the classic form of disease. Sources cited for classification include the following: PMID 23974870. Classification of NM_000492.3(CFTR):c.1679G>C(R560T) is based on the following criteria: This is a well-established pathogenic variant in the literature that has been observed more frequently in patients with clinical diagnoses than in healthy populations. Please note: this variant was assessed in the context of healthy population screening.â€šÃ„Ã¶âˆšÃ‘âˆšÂ£

Johns Hopkins Genomics, Johns Hopkins University
Classification: Pathogenic for Cystic fibrosis. Last evaluated: 2019-03-04. Review status: criteria provided, single submitter. Criteria: ACMG Guidelines, 2015. Collection method: clinical testing. Allele origin: germline. Not counted in ClinVar's aggregate classification.

Women's Health and Genetics/Laboratory Corporation of America, LabCorp
Classification: Pathogenic. Last evaluated: 2018-03-13. Review status: criteria provided, single submitter. Criteria: LabCorp Variant Classification Summary - May 2015. Collection method: clinical testing. Allele origin: germline. Not counted in ClinVar's aggregate classification.
Comment: Variant summary: CFTR c.1679G>C (p.Arg560Thr) results in a non-conservative amino acid change located in the ABC transporter-like and AAA+ ATPase domains of the encoded protein sequence. Five of five in-silico tools predict a damaging effect of the variant on protein function. Several computational tools predict a significant impact on normal splicing: four predict the variant abolishes a 5' splicing donor site. These splicing predictions have yet to be confirmed by functional studies, however studies assessing the variant effect at the protein level have shown a defective glycosylation/maturation and chloride conductance (Van Goor 2013, Sosnay 2013). The variant allele was found at a frequency of 1.7e-05 in 293912 control chromosomes. The c.1679G>C variant has been reported in the literature in numerous individuals affected with Classic Cystic Fibrosis and is considered a common pathogenic mutation (see e.g. McKone 2003, Sosnay 2013). Three clinical diagnostic laboratories have submitted clinical-significance assessments for this variant to ClinVar after 2014 without evidence for independent evaluation, and all classified the variant as pathogenic. Based on the evidence outlined above, the variant was classified as pathogenic.

Center for Pediatric Genomic Medicine, Children's Mercy Hospital and Clinics
Classification: Pathogenic. Last evaluated: 2015-02-11. Review status: criteria provided, single submitter. Criteria: ACMG Guidelines, 2015. Collection method: clinical testing. Allele origin: germline. Not counted in ClinVar's aggregate classification.

Baylor Genetics
Classification: Pathogenic for Congenital bilateral aplasia of vas deferens from CFTR mutation; Cystic fibrosis. Review status: criteria provided, single submitter. Criteria: ACMG Guidelines, 2015. Collection method: clinical testing. Allele origin: germline. Not counted in ClinVar's aggregate classification.

Genome Diagnostics Laboratory, The Hospital for Sick Children
Classification: Pathogenic for CFTR-related disorders. Last evaluated: 2020-02-07. Review status: no assertion criteria provided. Collection method: clinical testing. Allele origin: germline. Not counted in ClinVar's aggregate classification.

OMIM
Classification: Pathogenic for CYSTIC FIBROSIS. Last evaluated: 1990-11-01. Review status: no assertion criteria provided. Collection method: literature only. Allele origin: germline. Not counted in ClinVar's aggregate classification.

Clinical Genetics DNA and cytogenetics Diagnostics Lab, Erasmus MC, Erasmus Medical Center
Classification: Pathogenic. Review status: no assertion criteria provided. Collection method: clinical testing. Allele origin: germline. Affected: yes. Study: VKGL Data-share Consensus. Not counted in ClinVar's aggregate classification.

Diagnostic Laboratory, Department of Genetics, University Medical Center Groningen
Classification: Pathogenic. Review status: no assertion criteria provided. Collection method: clinical testing. Allele origin: germline. Affected: yes. Study: VKGL Data-share Consensus. Not counted in ClinVar's aggregate classification.

GeneReviews
No classification provided. Condition: Cystic fibrosis. Review status: no classification provided. Collection method: literature only. Allele origin: unknown. Not counted in ClinVar's aggregate classification.

Literature cited by the submitters: PMC 3110945 (cited by American College of Medical Genetics and Genomics  (ACMG)); PubMed 15371902 (cited by Labcorp Genetics (formerly Invitae), Labcorp and GeneReviews); PubMed 23974870 (cited by 4 submitters); PubMed 23775370 (cited by Natera, Inc.); PubMed 31162888 (cited by Natera, Inc.); PubMed 34814176 (cited by Natera, Inc.); PubMed 2236053 (cited by 3 submitters); PubMed 23891399 (cited by Ambry Genetics and Women's Health and Genetics/Laboratory Corporation of America, LabCorp); PubMed 12767731 (cited by Women's Health and Genetics/Laboratory Corporation of America, LabCorp); PubMed 15371903 (cited by Women's Health and Genetics/Laboratory Corporation of America, LabCorp); PubMed 7506096 (cited by Women's Health and Genetics/Laboratory Corporation of America, LabCorp); PubMed 20301428 (cited by GeneReviews).